The following is an entry in ClinVar:

ClinVar aggregate classification (germline): Uncertain significance (1 of 4 stars; one submission).

Conditions:
Inborn genetic diseases. Identifiers: MedGen C0950123, MeSH D030342.

Submission:

Ambry Genetics
Classification: Uncertain significance for Inborn genetic diseases. Last evaluated: 2025-03-07. Review status: criteria provided, single submitter. Criteria: Ambry Variant Classification Scheme 2023. Collection method: clinical testing. Allele origin: germline.
Comment: The p.F75C variant (also known as c.224T>G), located in coding exon 2 of the HAX1 gene, results from a T to G substitution at nucleotide position 224. The phenylalanine at codon 75 is replaced by cysteine, an amino acid with highly dissimilar properties. This amino acid position is conserved. In addition, the in silico prediction for this alteration is inconclusive. Based on the available evidence, the clinical significance of this variant remains unclear.

NM_006118.4(HAX1):c.224T>G (p.Phe75Cys)

Gene: HAX1 (HCLS1 associated protein X-1; plus strand). Cytogenetic location: 1q21.3.
Variant type: single nucleotide variant.
Coding change: c.224T>G on transcript NM_006118.4 (MANE Select); coding-DNA position 224, T replaced by G.
Protein change: p.Phe75Cys; replaces phenylalanine 75 with cysteine.
Molecular consequence: missense variant.
Genome position (GRCh38, 1-based): chr1:154,273,506, T>G. VCF-style: chr1-154273506-T-G. GRCh37 (hg19) VCF-style: chr1-154245982-T-G.
Other names: c.80T>G, p.Phe27Cys (NM_001018837.2); short protein forms F27C, F75C.
Identifiers: ClinVar variation 3856905 (VCV003856905.1).
Genomic context (GRCh38, chr1:154,273,506, plus strand): 5'-AGCACCCCCCTGAGGAATTTGGCTTCGGCTTCAGCTTCAGCCCAGGAGGAGGGATACGTT[T>G]CCACGATAACTTCGGCTTTGATGACCTAGTACGAGATTTCAATAGCATCTTCAGCGATAT-3'
Protein context (NP_006109.2, residues 65-85): FSFSPGGGIR[Phe75Cys]HDNFGFDDLV